The following is an entry in ClinVar:

NM_006231.4(POLE):c.1359+4_1359+74del

Gene: POLE (DNA polymerase epsilon, catalytic subunit; minus strand). Cytogenetic location: 12q24.33.
Variant type: Deletion.
Coding change: c.1359+4_1359+74del on transcript NM_006231.4 (MANE Select); bases 4 to 74 of the intron after coding-DNA position 1359, 71 bases deleted.
Molecular consequence: splice donor variant.
Genome position (GRCh38, 1-based): chr12:132,673,501-132,673,571, 71 bases deleted. GRCh37 (hg19): chr12:133,250,112-133,250,182.
Identifiers: ClinVar variation 818999 (VCV000818999.12), dbSNP rs1593072864, ClinGen allele CA915946756.

ClinVar aggregate classification (germline): Uncertain significance. Review status: criteria provided, multiple submitters, no conflicts (2 of 4 stars). 2 submissions from 2 submitters: Uncertain significance (2). Last evaluated 2025-02-08.

Conditions:
Hereditary cancer-predisposing syndrome. Also called: Tumor predisposition; Hereditary neoplastic syndrome; Neoplastic Syndromes, Hereditary; Hereditary Cancer Syndrome. Identifiers: Orphanet 140162, MedGen C0027672, MeSH D009386, MONDO:0015356.

Submissions (2):

Ambry Genetics
Classification: Uncertain significance for Hereditary cancer-predisposing syndrome. Last evaluated: 2025-02-08. Review status: criteria provided, single submitter. Criteria: Ambry Variant Classification Scheme 2023. Collection method: clinical testing. Allele origin: germline.
Comment: The c.1359+4_1359+74del71 intronic variant, located in intron 13 of the POLE gene, results from a deletion of 71 nucleotides within intron 13 of the POLE gene. These nucleotide positions are not well conserved in available vertebrate species. In silico splice site analysis predicts that this alteration will not have any significant effect on splicing. Based on the available evidence, the clinical significance of this variant remains unclear.

Labcorp Genetics (formerly Invitae), Labcorp
Classification: Uncertain significance. Last evaluated: 2024-10-21. Review status: criteria provided, single submitter. Criteria: Invitae Variant Classification Sherloc (09022015). Collection method: clinical testing. Allele origin: germline.
Comment: This sequence change falls in intron 13 of the POLE gene. It does not directly change the encoded amino acid sequence of the POLE protein. It affects a nucleotide within the consensus splice site. This variant is not present in population databases (gnomAD no frequency). This variant has not been reported in the literature in individuals affected with POLE-related conditions. ClinVar contains an entry for this variant (Variation ID: 818999). Variants that disrupt the consensus splice site are a relatively common cause of aberrant splicing (PMID: 17576681, 9536098). Studies have shown that this variant is associated with inconclusive levels of altered splicing (internal data). In summary, the available evidence is currently insufficient to determine the role of this variant in disease. Therefore, it has been classified as a Variant of Uncertain Significance.

Literature cited by the submitters: PubMed 17576681 (cited by Labcorp Genetics (formerly Invitae), Labcorp); PubMed 9536098 (cited by Labcorp Genetics (formerly Invitae), Labcorp).